The following is an entry in ClinVar:

ClinVar aggregate classification (germline): Uncertain significance. Review status: criteria provided, multiple submitters, no conflicts (2 of 4 stars). 3 submissions from 3 submitters: Uncertain significance (3). Last evaluated 2024-09-08.

Submissions (3):

GeneDx
Classification: Uncertain significance. Last evaluated: 2024-09-08. Review status: criteria provided, single submitter. Criteria: GeneDx Variant Classification Process June 2021. Collection method: clinical testing. Allele origin: germline. Affected: yes.
Comment: Not observed at significant frequency in large population cohorts (gnomAD); In silico analysis supports that this missense variant has a deleterious effect on protein structure/function; Has not been previously published as pathogenic or benign to our knowledge

Labcorp Genetics (formerly Invitae), Labcorp
Classification: Uncertain significance. Last evaluated: 2024-06-26. Review status: criteria provided, single submitter. Criteria: Invitae Variant Classification Sherloc (09022015). Collection method: clinical testing. Allele origin: germline.
Comment: This sequence change replaces arginine, which is basic and polar, with tryptophan, which is neutral and slightly polar, at codon 727 of the SETBP1 protein (p.Arg727Trp). This variant is not present in population databases (gnomAD no frequency). This variant has not been reported in the literature in individuals affected with SETBP1-related conditions. Advanced modeling of protein sequence and biophysical properties (such as structural, functional, and spatial information, amino acid conservation, physicochemical variation, residue mobility, and thermodynamic stability) performed at Invitae indicates that this missense variant is expected to disrupt SETBP1 protein function with a positive predictive value of 80%. In summary, the available evidence is currently insufficient to determine the role of this variant in disease. Therefore, it has been classified as a Variant of Uncertain Significance.

CeGaT Center for Human Genetics Tuebingen
Classification: Uncertain significance. Last evaluated: 2024-03-01. Review status: criteria provided, single submitter. Criteria: CeGaT Center For Human Genetics Tuebingen Variant Classification Criteria Version 2. Collection method: clinical testing. Allele origin: germline. Affected: yes. Observed: 1 variant allele.
Comment: SETBP1: PM2, PP3, PS2:Supporting

NM_015559.3(SETBP1):c.2179C>T (p.Arg727Trp)

Gene: SETBP1 (SET binding protein 1; plus strand). Cytogenetic location: 18q12.3.
Variant type: single nucleotide variant.
Coding change: c.2179C>T on transcript NM_015559.3 (MANE Select); coding-DNA position 2179, C replaced by T.
Protein change: p.Arg727Trp; replaces arginine 727 with tryptophan.
Molecular consequence: missense variant.
Genome position (GRCh38, 1-based): chr18:44,951,519, C>T. VCF-style: chr18-44951519-C-T. GRCh37 (hg19) VCF-style: chr18-42531484-C-T.
Other names: c.2179C>T, p.Arg727Trp (NM_001379141.1, NM_001379142.1, NM_001410862.1); c.2179C>T (NM_015559.2); short protein forms R727W.
Identifiers: ClinVar variation 3067295 (VCV003067295.24), dbSNP rs763907430, ClinGen allele CA402320572.